The following is an entry in ClinVar:

ClinVar aggregate classification (germline): Uncertain significance (1 of 4 stars; one submission).

Conditions:
Supravalvar aortic stenosis (SVAS). Also called: Supravalvar aortic stenosis, Eisenberg type. Identifiers: Orphanet 3193, MedGen C0003499, MONDO:0008504, OMIM 185500, HP:0004381.

Submission:

Labcorp Genetics (formerly Invitae), Labcorp
Classification: Uncertain significance for Supravalvar aortic stenosis. Last evaluated: 2026-01-18. Review status: criteria provided, single submitter. Criteria: Invitae Variant Classification Sherloc (09022015). Collection method: clinical testing. Allele origin: germline.
Comment: This variant, c.2064_2066del, results in the deletion of 1 amino acid(s) of the ELN protein (p.Ala692del), but otherwise preserves the integrity of the reading frame. The frequency data for this variant in the population databases is considered unreliable, as metrics indicate poor data quality at this position in the gnomAD database. This variant has not been reported in the literature in individuals affected with ELN-related conditions. Experimental studies and prediction algorithms are not available or were not evaluated, and the functional significance of this variant is currently unknown. In summary, the available evidence is currently insufficient to determine the role of this variant in disease. Therefore, it has been classified as a Variant of Uncertain Significance.

NM_000501.4(ELN):c.1869CGC[3] (p.Ala630del)

Gene: ELN (elastin; plus strand). Cytogenetic location: 7q11.23.
Variant type: Microsatellite.
Coding change: c.1869CGC[3] on transcript NM_000501.4 (MANE Select); three copies in a row of the 3-base unit CGC starting at c.1869; the reference has four copies in a row; one copy, 3 bases deleted.
Protein change: p.Ala630del; deletes alanine 630.
Molecular consequence: inframe deletion.
Genome position (GRCh38, 1-based): chr7:74,063,329-74,063,331, CGC deleted; deleting any 3 consecutive bases within chr7:74,063,319-74,063,331 gives the same sequence; the position shown is the placement nearest the transcript's 3' end. VCF-style (leftmost placement, unchanged base first): chr7-74063318-CCCG-C. GRCh37 (hg19) VCF-style: chr7-73477648-CCCG-C.
Other names: c.1782CGC[3], p.Ala601del (NM_001081752.3); c.1827CGC[3], p.Ala616del (NM_001081753.3); c.1884CGC[3], p.Ala635del (NM_001081754.3); c.1812CGC[3], p.Ala611del (NM_001081755.3); c.1869CGC[3], p.Ala630del (NM_001278912.2); c.1626CGC[3], p.Ala549del (NM_001278913.2); c.1797CGC[3], p.Ala606del (NM_001278914.2); c.1887CGC[3], p.Ala636del (NM_001278915.2); and 4 more; short protein forms A541del, A549del, A582del, A611del, A620del, A630del, A616del, A692del.
Identifiers: ClinVar variation 4732741 (VCV004732741.1).